The following is an entry in ClinVar:

ClinVar aggregate classification (germline): Uncertain significance (1 of 4 stars; one submission).

Conditions:
Hajdu-Cheney syndrome (HJCYS). Also called: Acroosteolysis dominant type; SERPENTINE FIBULA-POLYCYSTIC KIDNEY SYNDROME; ACROOSTEOLYSIS WITH OSTEOPOROSIS AND CHANGES IN SKULL AND MANDIBLE. Identifiers: Orphanet 955, MedGen C0917715, MONDO:0007057, OMIM 102500.

gnomAD v4.1: 5 of 1,614,096 alleles (0.00031%); highest among the groups gnomAD compares: Non-Finnish European, 0.00034%; no homozygotes.

Submission:

Labcorp Genetics (formerly Invitae), Labcorp
Classification: Uncertain significance for Hajdu-Cheney syndrome. Last evaluated: 2026-01-13. Review status: criteria provided, single submitter. Criteria: Invitae Variant Classification Sherloc (09022015). Collection method: clinical testing. Allele origin: germline.
Comment: This sequence change replaces histidine, which is basic and polar, with arginine, which is basic and polar, at codon 2056 of the NOTCH2 protein (p.His2056Arg). This variant is present in population databases (no rsID available, gnomAD 0.002%). This variant has not been reported in the literature in individuals affected with NOTCH2-related conditions. ClinVar contains an entry for this variant (Variation ID: 3680863). Invitae Evidence Modeling of protein sequence and biophysical properties (such as structural, functional, and spatial information, amino acid conservation, physicochemical variation, residue mobility, and thermodynamic stability) indicates that this missense variant is not expected to disrupt NOTCH2 protein function with a negative predictive value of 80%. In summary, the available evidence is currently insufficient to determine the role of this variant in disease. Therefore, it has been classified as a Variant of Uncertain Significance.

NM_024408.4(NOTCH2):c.6167A>G (p.His2056Arg)

Gene: NOTCH2 (notch receptor 2; minus strand). Cytogenetic location: 1p12.
Variant type: single nucleotide variant.
Coding change: c.6167A>G on transcript NM_024408.4 (MANE Select); coding-DNA position 6167, A replaced by G.
Protein change: p.His2056Arg; replaces histidine 2056 with arginine.
Molecular consequence: missense variant.
Genome position (GRCh38, 1-based): chr1:119,916,555, T>C on the plus strand (A>G on the coding strand, the complement: NOTCH2 is on the minus strand). VCF-style: chr1-119916555-T-C. GRCh37 (hg19) VCF-style: chr1-120459178-T-C.
Other names: short protein forms H2056R.
Identifiers: ClinVar variation 3680863 (VCV003680863.2).